The following is an entry in ClinVar:

ClinVar aggregate classification (germline): Likely pathogenic (1 of 4 stars; one submission).

Conditions:
Deafness with labyrinthine aplasia, microtia, and microdontia. Also called: Congenital Deafness with Inner Ear Agenesis, Microtia, and Microdontia; DEAFNESS WITH LAMM; DEAFNESS, CONGENITAL, WITH LABYRINTHINE APLASIA, MICROTIA, AND MICRODONTIA. Identifiers: Orphanet 90024, MedGen C1853144, MONDO:0012541, OMIM 610706.

gnomAD v4.1: 1 of 1,485,844 alleles (0.000067%); highest among the groups gnomAD compares: South Asian, 0.0013%; no homozygotes.

Submission:

Institute of Rare Diseases, West China Hospital, Sichuan University
Classification: Likely pathogenic for Deafness with labyrinthine aplasia, microtia, and microdontia. Last evaluated: 2025-01-09. Review status: criteria provided, single submitter. Criteria: ClinGen HL ACMG Specifications v1. Collection method: research. Allele origin: germline. Affected: yes.
Comment: PVS1;PM2_Supporting

NM_005247.4(FGF3):c.220+1G>A

Genes: FGF3 (fibroblast growth factor 3; minus strand), LOC109115964 (FGF3 5' regulatory region; plus strand). Cytogenetic location: 11q13.3.
Variant type: single nucleotide variant.
Coding change: c.220+1G>A on transcript NM_005247.4 (MANE Select); the canonical splice donor site of the intron after coding-DNA position 220, G replaced by A.
Molecular consequence: splice donor variant.
Genome position (GRCh38, 1-based): chr11:69,818,713, C>T on the plus strand (G>A on the coding strand, the complement: FGF3 is on the minus strand). VCF-style: chr11-69818713-C-T. GRCh37 (hg19) VCF-style: chr11-69633481-C-T.
Identifiers: ClinVar variation 3601125 (VCV003601125.1).